The following is an entry in ClinVar:

NM_000258.3(MYL3):c.96T>A (p.Pro32=)

Gene: MYL3 (myosin light chain 3; minus strand). Cytogenetic location: 3p21.31.
Variant type: single nucleotide variant.
Coding change: c.96T>A on transcript NM_000258.3 (MANE Select); coding-DNA position 96, T replaced by A.
Protein change: p.Pro32=; no amino-acid change (proline 32 retained).
Molecular consequence: synonymous variant.
Genome position (GRCh38, 1-based): chr3:46,863,295, A>T on the plus strand (T>A on the coding strand, the complement: MYL3 is on the minus strand). VCF-style: chr3-46863295-A-T. GRCh37 (hg19) VCF-style: chr3-46904785-A-T.
Identifiers: ClinVar variation 345571 (VCV000345571.16), dbSNP rs886058582, ClinGen allele CA10616729.

ClinVar aggregate classification (germline): Conflicting classifications of pathogenicity. Review status: criteria provided, conflicting classifications (1 of 4 stars). 5 submissions from 5 submitters: Uncertain significance (1); Likely benign (4). Last evaluated 2026-01-13.

Conditions:
Hypertrophic cardiomyopathy. Also called: HYPERTROPHIC MYOCARDIOPATHY. Identifiers: Orphanet 217569, MedGen C0007194, MeSH D002312, MONDO:0005045, HP:0001639.
Cardiovascular phenotype. Identifiers: MedGen CN230736.
Cardiomyopathy (CMYO). Also called: Cardiomyopathies. Identifiers: Orphanet 167848, MedGen C0878544, MONDO:0004994, HP:0001638. Inheritance: Various modes of inheritance.
Hypertrophic cardiomyopathy 8. Also called: CARDIOMYOPATHY, HYPERTROPHIC, MID-LEFT VENTRICULAR CHAMBER TYPE, 1; MYL3-Related Familial Hypertrophic Cardiomyopathy. Identifiers: MedGen C1837471, MONDO:0012111, OMIM 608751.

Allele frequency attached by ClinVar (database versions not stated): gnomAD exomes below 0.00001; gnomAD 0.00001.
gnomAD v4.1: 7 of 1,613,924 alleles (0.00043%); highest among the groups gnomAD compares: South Asian, 0.0066%; no homozygotes.

Submissions (5):

Labcorp Genetics (formerly Invitae), Labcorp
Classification: Likely benign for Hypertrophic cardiomyopathy. Last evaluated: 2026-01-13. Review status: criteria provided, single submitter. Criteria: Invitae Variant Classification Sherloc (09022015). Collection method: clinical testing. Allele origin: germline.

Ambry Genetics
Classification: Likely benign for Cardiovascular phenotype. Last evaluated: 2024-04-26. Review status: criteria provided, single submitter. Criteria: Ambry Variant Classification Scheme 2023. Collection method: clinical testing. Allele origin: germline.

All of Us Research Program, National Institutes of Health
Classification: Likely benign for Hypertrophic cardiomyopathy. Last evaluated: 2023-08-15. Review status: criteria provided, single submitter. Criteria: ACMG Guidelines, 2015. Collection method: clinical testing. Allele origin: germline. Inheritance: Autosomal dominant inheritance. Observed: 2 variant alleles, 2 heterozygotes.
Comment: This study involves interpretation of variants in research participants for the purpose of population health screening. Participant phenotype was not available at the time of variant classification. Additional details can be found in publication PMID: 35346344, PMCID: PMC8962531

Color Diagnostics, LLC DBA Color Health
Classification: Likely benign for Cardiomyopathy. Last evaluated: 2019-03-30. Review status: criteria provided, single submitter. Criteria: ACMG Guidelines, 2015. Collection method: clinical testing. Allele origin: germline.

Illumina Laboratory Services, Illumina
Classification: Uncertain significance for Hypertrophic cardiomyopathy 8. Last evaluated: 2018-01-13. Review status: criteria provided, single submitter. Criteria: ICSL Variant Classification Criteria 13 December 2019. Collection method: clinical testing. Allele origin: germline.